The following is an entry in ClinVar:

ClinVar aggregate classification (germline): Conflicting classifications of pathogenicity. Review status: criteria provided, conflicting classifications (1 of 4 stars). 4 submissions from 4 submitters: Uncertain significance (2); Likely benign (1). 1 of the submissions does not count toward it. Last evaluated 2025-05-15.

Conditions:
Malignant tumor of breast. Also called: Malignant breast neoplasm; Cancer breast. Identifiers: MedGen C0006142, MONDO:0007254. Disease mechanism: loss of function.
Hereditary cancer-predisposing syndrome. Also called: Neoplastic Syndromes, Hereditary; Tumor predisposition; Hereditary Cancer Syndrome; Hereditary neoplastic syndrome. Identifiers: Orphanet 140162, MedGen C0027672, MeSH D009386, MONDO:0015356.
Hereditary breast ovarian cancer syndrome. Also called: BRCA1- and BRCA2-Associated Hereditary Breast and Ovarian Cancer; Hereditary breast and ovarian cancer syndrome; Hereditary breast and ovarian cancer; Hereditary breast and ovarian cancer syndrome (HBOC); Breast and ovarian cancer; Hereditary breast and/or ovarian cancer syndrome. Identifiers: Orphanet 145, MedGen C0677776, MeSH D061325, MONDO:0003582. Disease mechanism: loss of function.

Submissions (4):

Ambry Genetics
Classification: Likely benign for Hereditary cancer-predisposing syndrome. Last evaluated: 2025-05-15. Review status: criteria provided, single submitter. Criteria: Ambry Variant Classification Scheme 2023. Collection method: clinical testing. Allele origin: germline.

Labcorp Genetics (formerly Invitae), Labcorp
Classification: Uncertain significance for Hereditary breast ovarian cancer syndrome. Last evaluated: 2022-07-26. Review status: criteria provided, single submitter. Criteria: Invitae Variant Classification Sherloc (09022015). Collection method: clinical testing. Allele origin: germline.
Comment: This sequence change replaces glutamic acid, which is acidic and polar, with glutamine, which is neutral and polar, at codon 2832 of the BRCA2 protein (p.Glu2832Gln). This variant is not present in population databases (gnomAD no frequency). In summary, the available evidence is currently insufficient to determine the role of this variant in disease. Therefore, it has been classified as a Variant of Uncertain Significance. Advanced modeling of protein sequence and biophysical properties (such as structural, functional, and spatial information, amino acid conservation, physicochemical variation, residue mobility, and thermodynamic stability) performed at Invitae indicates that this missense variant is not expected to disrupt BRCA2 protein function. ClinVar contains an entry for this variant (Variation ID: 231088). This variant has not been reported in the literature in individuals affected with BRCA2-related conditions.

Color Diagnostics, LLC DBA Color Health
Classification: Uncertain significance for Hereditary cancer-predisposing syndrome. Last evaluated: 2020-02-14. Review status: criteria provided, single submitter. Criteria: ACMG Guidelines, 2015. Collection method: clinical testing. Allele origin: germline.
Comment: This missense variant replaces glutamic acid with glutamine at codon 2832 of the BRCA2 protein. Computational prediction suggests that this variant may have deleterious impact on protein structure and function (internally defined REVEL score threshold >= 0.7, PMID: 27666373). Splice site prediction tools suggest that this variant may not impact RNA splicing. To our knowledge, functional studies have not been performed for this variant. This variant has not been reported in individuals affected with hereditary cancer in the literature. This variant has not been identified in the general population by the Genome Aggregation Database (gnomAD). The available evidence is insufficient to determine the role of this variant in disease conclusively. Therefore, this variant is classified as a Variant of Uncertain Significance.

Department of Pathology and Laboratory Medicine, Sinai Health System
Classification: Uncertain significance for Malignant tumor of breast. Review status: no assertion criteria provided. Collection method: clinical testing. Allele origin: unknown. Affected: yes. Study: The Canadian Open Genetics Repository (COGR). Not counted in ClinVar's aggregate classification.
Comment: The BRCA2 p.Glu2832Gln variant was not identified in the literature nor was it identified in the LOVD 3.0 or UMD-LSDB database. The variant was identified in dbSNP (rs876658951) as â€šÃ„Ãºwith pathogenic, uncertain significance alleleâ€šÃ„Ã¹ and ClinVar (classified as uncertain significance by Ambry Genetics). The variant was not identified in the following control databases: the Exome Aggregation Consortium (August 8th 2016), or the Genome Aggregation Database (Feb 27, 2017). The p.Glu2832 residue is conserved across mammals and other organisms, and four out of five computational analyses (PolyPhen-2, SIFT, AlignGVGD, BLOSUM, MutationTaster) suggest that the variant may impact the protein; however, this information is not predictive enough to assume pathogenicity. The variant occurs outside of the splicing consensus sequence and in silico or computational prediction software programs (SpliceSiteFinder, MaxEntScan, NNSPLICE, GeneSplicer) do not predict a difference in splicing. In summary, based on the above information the clinical significance of this variant cannot be determined with certainty at this time. This variant is classified as a variant of uncertain significance.

NM_000059.4(BRCA2):c.8494G>C (p.Glu2832Gln)

Gene: BRCA2 (BRCA2 DNA repair associated; plus strand). Cytogenetic location: 13q13.1.
Variant type: single nucleotide variant.
Coding change: c.8494G>C on transcript NM_000059.4 (MANE Select); coding-DNA position 8494, G replaced by C.
Protein change: p.Glu2832Gln; replaces glutamic acid 2832 with glutamine.
Molecular consequence: missense variant.
Genome position (GRCh38, 1-based): chr13:32,370,962, G>C. VCF-style: chr13-32370962-G-C. GRCh37 (hg19) VCF-style: chr13-32945099-G-C.
Other names: short protein forms E2832Q.
Identifiers: ClinVar variation 231088 (VCV000231088.19), dbSNP rs876658951, ClinGen allele CA10579790.